The following is an entry in ClinVar:

ClinVar aggregate classification (germline): Uncertain significance. Review status: criteria provided, multiple submitters, no conflicts (2 of 4 stars). 2 submissions from 2 submitters: Uncertain significance (2). Last evaluated 2019-08-14.

Conditions:
Cardiovascular phenotype. Identifiers: MedGen CN230736.
Cardiomyopathy (CMYO). Also called: Cardiomyopathies. Identifiers: Orphanet 167848, MedGen C0878544, MONDO:0004994, HP:0001638. Inheritance: Various modes of inheritance.

Allele frequency attached by ClinVar (database versions not stated): TOPMed below 0.00001; gnomAD exomes 0.00002 and 0.00003.
gnomAD v4.1: 31 of 1,612,682 alleles (0.0019%); highest among the groups gnomAD compares: East Asian, 0.0089%; no homozygotes.

Submissions (2):

Ambry Genetics
Classification: Uncertain significance for Cardiovascular phenotype. Last evaluated: 2019-08-14. Review status: criteria provided, single submitter. Criteria: Ambry Variant Classification Scheme 2023. Collection method: clinical testing. Allele origin: germline.
Comment: The p.I1237V variant (also known as c.3709A>G), located in coding exon 21 of the TTN gene, results from an A to G substitution at nucleotide position 3709. The isoleucine at codon 1237 is replaced by valine, an amino acid with highly similar properties. This amino acid position is not well conserved in available vertebrate species, and valine is the reference amino acid in other vertebrate species. In addition, this alteration is predicted to be tolerated by in silico analysis. Since supporting evidence is limited at this time, the clinical significance of this alteration remains unclear.

CHEO Genetics Diagnostic Laboratory, Children's Hospital of Eastern Ontario
Classification: Uncertain significance for Cardiomyopathy. Last evaluated: 2018-01-31. Review status: criteria provided, single submitter. Criteria: ACMG Guidelines, 2015. Collection method: clinical testing. Allele origin: germline.

NM_001267550.2(TTN):c.3847A>G (p.Ile1283Val)

Genes: TTN (titin; minus strand), LOC101927055 (uncharacterized LOC101927055; plus strand). Cytogenetic location: 2q31.2.
Variant type: single nucleotide variant.
Coding change: c.3847A>G on transcript NM_001267550.2 (MANE Select); coding-DNA position 3847, A replaced by G.
Protein change: p.Ile1283Val; replaces isoleucine 1283 with valine.
Molecular consequence: missense variant.
Genome position (GRCh38, 1-based): chr2:178,779,345, T>C on the plus strand (A>G on the coding strand, the complement: TTN is on the minus strand). VCF-style: chr2-178779345-T-C. GRCh37 (hg19) VCF-style: chr2-179644072-T-C.
Other names: c.3847A>G, p.Ile1283Val (NM_001256850.1, NM_133378.4, NM_133379.5); c.3709A>G, p.Ile1237Val (NM_003319.4, NM_133432.3, NM_133437.4); short protein forms I1283V, I1237V.
Identifiers: ClinVar variation 915648 (VCV000915648.4), dbSNP rs1391955404, ClinGen allele CA349477577.